The following is an entry in ClinVar:

NM_000350.3(ABCA4):c.2791G>A (p.Val931Met)

Gene: ABCA4 (ATP binding cassette subfamily A member 4; minus strand). Cytogenetic location: 1p22.1.
Variant type: single nucleotide variant.
Coding change: c.2791G>A on transcript NM_000350.3 (MANE Select); coding-DNA position 2791, G replaced by A.
Protein change: p.Val931Met; replaces valine 931 with methionine.
Molecular consequence: missense variant.
Genome position (GRCh38, 1-based): chr1:94,047,046, C>T on the plus strand (G>A on the coding strand, the complement: ABCA4 is on the minus strand). VCF-style: chr1-94047046-C-T. GRCh37 (hg19) VCF-style: chr1-94512602-C-T.
Other names: c.2569G>A, p.Val857Met (NM_001425324.1); short protein forms V931M, V857M.
Identifiers: ClinVar variation 7880 (VCV000007880.43), dbSNP rs58331765, ClinGen allele CA227031.
Genomic context (GRCh38, chr1:94,047,046, plus strand): 5'-TGTTCAGACGGTCCACAGCTGGCCGGCCACAGGGCTCAAAAATCTTTACCAGATTCTTCA[C>T]GCATACCCCAGGAACCCACCCTGGATGCTCACGTTCAAAGAAGGAGTCTTGGAGGAAAAA-3'
Protein context (NP_000341.2, residues 921-941): EHPGWVPGVC[Val931Met]KNLVKIFEPC

ClinVar aggregate classification (germline): Conflicting classifications of pathogenicity. Review status: criteria provided, conflicting classifications (1 of 4 stars). 17 submissions from 17 submitters: Pathogenic (6); Likely pathogenic (6); Uncertain significance (1). 4 of the submissions do not count toward it. Last evaluated 2026-10-07.

Conditions:
ABCA4-related disorder. Also called: ABCA4-related disorders; ABCA4-related condition. Identifiers: MedGen CN239167.
Cone-rod dystrophy 3 (CORD3). Identifiers: Orphanet 1872, MedGen C1858806, MONDO:0011395, OMIM 604116.
Severe early-childhood-onset retinal dystrophy (STGD1). Also called: Stargardt macular dystrophy; Juvenile onset macular degeneration; Stargardt disease 1; MACULAR DYSTROPHY WITH FLECKS, TYPE 1; STGD. Identifiers: Orphanet 364055, Orphanet 827, MedGen C1855465, MeSH D000080362, MONDO:0009549, OMIM 248200.
Retinitis pigmentosa 19 (RP19). Also called: ABCA4-Related Retinitis Pigmentosa. Identifiers: Orphanet 791, MedGen C1866422, MONDO:0011137, OMIM 601718.
Age related macular degeneration 2. Also called: MACULOPATHY, AGE-RELATED; MACULAR DEGENERATION, SENILE; MACULOPATHY, AGE-RELATED, 2. Identifiers: MedGen C3495438, MONDO:0007932, OMIM 153800.
Stargardt disease (FFM). Also called: Stargardt's disease; Fundus flavimaculatus. Identifiers: Orphanet 827, MedGen C0271093, MONDO:0019353.

Allele frequency attached by ClinVar (database versions not stated): 1000 Genomes Project 30x 0.00250; gnomAD 0.00136; ExAC 0.00049; TOPMed 0.00135; gnomAD exomes 0.00039; 1000 Genomes Project 0.00280.
gnomAD v4.1: 436 of 1,614,130 alleles (0.027%); highest among the groups gnomAD compares: African/African-American, 0.42%; no homozygotes.

Submissions 1 to 11 of 17:

GeneDx
Classification: Likely pathogenic. Last evaluated: 2026-10-07. Review status: criteria provided, single submitter. Criteria: GeneDx Variant Classification Process June 2021. Collection method: clinical testing. Allele origin: germline.
Comment: In silico analysis suggests that this missense variant does not alter protein structure/function; This variant is associated with the following publications: (PMID: 22264887, 27884173, 19365591, 9973280, 31456290, 9054934, 23755871, 30093795, 32619608, 24123366, 18977788, 35119454, 31816670, 37498587, 35120629, 31964843, 32307445, 36011402, 38219857, 37798099, 39843441, 28430335, 19028736, 31618812, 22328824, 28365912, 25082829, 23769331, 29114839, 30409984, 35156991, 41057290, 40239220, 38540785, 41056947)

PreventionGenetics, part of Exact Sciences
Classification: Likely pathogenic for ABCA4-related condition. Last evaluated: 2026-06-20. Review status: criteria provided, single submitter. Criteria: ACMG Guidelines, 2015. Collection method: clinical testing. Allele origin: germline.
Comment: The ABCA4 c.2791G>A variant is predicted to result in the amino acid substitution p.Val931Met. This variant has been reported, along with a second known causative variant, in individuals with retinal dystrophy (see for examples: Salles et al. 2018. PubMed ID: 30093795; Table S1, Del Pozo-Valero et al. 2020. PubMed ID: 32619608; Table S1, Lin et al. 2024. PubMed ID: 38219857). This variant is present in 0.44% of alleles in individuals of African descent in gnomAD, indicating it is relatively common in this population. The majority of submitters to the ClinVar database have classified this variant as pathogenic or likely pathogenic (Variation ID: 7880). Given the evidence, we interpret this variant as likely pathogenic.

Women's Health and Genetics/Laboratory Corporation of America, LabCorp
Classification: Pathogenic for Severe early-childhood-onset retinal dystrophy. Last evaluated: 2026-03-26. Review status: criteria provided, single submitter. Criteria: LabCorp Variant Classification Summary - May 2015. Collection method: clinical testing. Allele origin: germline.
Comment: Variant summary: ABCA4 c.2791G>A (p.Val931Met) results in a conservative amino acid change in the encoded protein sequence. Algorithms developed to predict the effect of missense changes on protein structure and function are either unavailable or do not agree on the potential impact of this missense change. The variant allele was found at a frequency of 0.00039 in 251362 control chromosomes, predominantly at a frequency of 0.0044 within the African or African-American subpopulation in the gnomAD database. c.2791G>A has been observed as a biallelic genotype in numerous individuals affected with Stargardt Disease/ABCA4-associated retinopathy, and has been found to segregate with disease in at least one family (e.g. Allikmets_1997, Lewis_1999, Maia-Lopes_2009, Passerini_2010, Riveiro-Alvarez_2013, Verdina_2017, Salles_2017, Bianco_2023). These data indicate that the variant is very likely to be associated with disease. To our knowledge, no experimental evidence demonstrating an impact on protein function has been reported. The following publications have been ascertained in the context of this evaluation (PMID: 9054934, 37498587, 9973280, 19365591, 19265867, 23755871, 29114839, 28365912). ClinVar contains an entry for this variant (Variation ID: 7880). Based on the evidence outlined above, the variant was classified as pathogenic.

Labcorp Genetics (formerly Invitae), Labcorp
Classification: Pathogenic. Last evaluated: 2026-01-14. Review status: criteria provided, single submitter. Criteria: Invitae Variant Classification Sherloc (09022015). Collection method: clinical testing. Allele origin: germline.
Comment: This sequence change replaces valine, which is neutral and non-polar, with methionine, which is neutral and non-polar, at codon 931 of the ABCA4 protein (p.Val931Met). This variant is present in population databases (rs58331765, gnomAD 0.4%), and has an allele count higher than expected for a pathogenic variant. This missense change has been observed in individual(s) with Stargardt disease (PMID: 9054934, 9973280, 19365591, 23755871, 28430335, 29114839, 30093795). In at least one individual the data is consistent with being in trans (on the opposite chromosome) from a pathogenic variant. It has also been observed to segregate with disease in related individuals. ClinVar contains an entry for this variant (Variation ID: 7880). Invitae Evidence Modeling of protein sequence and biophysical properties (such as structural, functional, and spatial information, amino acid conservation, physicochemical variation, residue mobility, and thermodynamic stability) indicates that this missense variant is expected to disrupt ABCA4 protein function with a positive predictive value of 95%. For these reasons, this variant has been classified as Pathogenic.

3billion
Classification: Likely pathogenic for ABCA4-related disorder. Last evaluated: 2025-08-12. Review status: criteria provided, single submitter. Criteria: ACMG Guidelines, 2015. Collection method: clinical testing. Allele origin: germline. Affected: yes.
Comment: The variant is observed at an extremely low frequency in the gnomAD v4.1.0 dataset (total allele frequency: 0.027%). Predicted Consequence/Location: Missense variant In silico tool predictions suggest damaging effect of the variant on gene or gene product [REVEL: 0.66 (>=0.6, sensitivity 0.68 and specificity 0.92); 3Cnet: 0.73 (> 0.75, sensitivity 0.96 and precision 0.92)]. The same nucleotide change resulting in the same amino acid change has been previously reported as pathogenic/likely pathogenic with strong evidence (ClinVar ID: VCV000007880 /3billion dataset). A different missense change at the same codon (p.Val931Ala) has been reported to be associated with ABCA4-related disorder (ClinVar ID: VCV002777907). Therefore, this variant is classified as Likely pathogenic according to the recommendation of ACMG/AMP guideline.

Revvity Omics, Revvity
Classification: Pathogenic. Last evaluated: 2024-12-05. Review status: criteria provided, single submitter. Criteria: ACMG Guidelines, 2015. Collection method: clinical testing. Allele origin: germline.

Blueprint Genetics
Classification: Pathogenic for ABCA4-related disorders. Last evaluated: 2024-09-27. Review status: criteria provided, single submitter. Criteria: ACMG Guidelines, 2015. Collection method: clinical testing. Allele origin: germline. Affected: yes. Observed: 5 variant alleles.

Fulgent Genetics
Classification: Pathogenic for Age related macular degeneration 2; Severe early-childhood-onset retinal dystrophy; Retinitis pigmentosa 19; Cone-rod dystrophy 3. Last evaluated: 2024-06-07. Review status: criteria provided, single submitter. Criteria: ACMG Guidelines, 2015. Collection method: clinical testing. Allele origin: germline.

Laboratory for Molecular Medicine, Mass General Brigham Personalized Medicine
Classification: Uncertain significance. Last evaluated: 2023-12-18. Review status: criteria provided, single submitter. Criteria: ACMG Guidelines, 2015. Collection method: clinical testing. Allele origin: germline.
Comment: The p.Val931Met variant in ABCA4 has been reported in the homozygous and compound heterozygous state in >10 individuals with Stargardt disease, however it was also found with other variants in ABCA4 in some affected individuals that could potentially explain their disease. This variant has also been reported by other clinical laboratories in ClinVar (Variation ID 7880). It has also been identified in 0.4% (177/41416) of African chromosomes by gnomAD (v.3.1.2), consistent with a recessive carrier frequency. Computational prediction tools and conservation analyses do not provide strong support for or against an impact to the protein. In summary, while there is some suspicion for a pathogenic role, the clinical significance of this variant is uncertain. ACMG/AMP Criteria applied: PM3_Strong.

Department of Pathology and Laboratory Medicine, Sinai Health System
Classification: Likely pathogenic for Severe early-childhood-onset retinal dystrophy; Retinitis pigmentosa 19; Age related macular degeneration 2; Cone-rod dystrophy 3. Last evaluated: 2023-09-03. Review status: criteria provided, single submitter. Criteria: ACMG Guidelines, 2015. Collection method: research. Allele origin: germline.

Mendelics
Classification: Pathogenic. Last evaluated: 2022-08-08. Review status: criteria provided, single submitter. Criteria: Mendelics Assertion Criteria 2019. Collection method: clinical testing. Allele origin: germline.